The following is an entry in ClinVar:

NM_017802.4(DNAAF5):c.246del (p.Arg83fs)

Genes: DNAAF5 (dynein axonemal assembly factor 5; plus strand), PRKAR1B (protein kinase cAMP-dependent type I regulatory subunit beta; minus strand), LOC129997730 (ATAC-STARR-seq lymphoblastoid silent region 17816; plus strand). Cytogenetic location: 7p22.3.
Variant type: Deletion.
Coding change: c.246del on transcript NM_017802.4 (MANE Select); coding-DNA position 246, one base deleted (G; older notation c.246delG).
Protein change: p.Arg83fs; shifts the reading frame from arginine 83.
Molecular consequence: frameshift variant. On other transcripts: non-coding transcript variant (1), intron variant (3).
Genome position (GRCh38, 1-based): chr7:726,966, G deleted. VCF-style (leftmost placement, unchanged base first): chr7-726965-TG-T. GRCh37 (hg19) VCF-style: chr7-766602-TG-T.
Other names: c.-23+689del (NM_001164759.1); c.-23+624del (NM_001164758.2); c.-23+244del (NM_001164760.2); short protein forms R83fs.
Identifiers: ClinVar variation 941234 (VCV000941234.8), dbSNP rs1781327256, ClinGen allele CA1139659946.

ClinVar aggregate classification (germline): Pathogenic (1 of 4 stars; one submission).

Conditions:
Primary ciliary dyskinesia. Also called: Ciliary dyskinesia. Identifiers: Orphanet 244, MedGen C0008780, MONDO:0016575, HP:0012265.

Submission:

Labcorp Genetics (formerly Invitae), Labcorp
Classification: Pathogenic for Primary ciliary dyskinesia. Last evaluated: 2022-08-23. Review status: criteria provided, single submitter. Criteria: Invitae Variant Classification Sherloc (09022015). Collection method: clinical testing. Allele origin: germline.
Comment: For these reasons, this variant has been classified as Pathogenic. ClinVar contains an entry for this variant (Variation ID: 941234). This variant has not been reported in the literature in individuals affected with DNAAF5-related conditions. This variant is not present in population databases (gnomAD no frequency). This sequence change creates a premature translational stop signal (p.Arg83Alafs*3) in the DNAAF5 gene. It is expected to result in an absent or disrupted protein product. Loss-of-function variants in DNAAF5 are known to be pathogenic (PMID: 24307375, 25232951).

Literature cited by the submitters: PubMed 24307375; PubMed 25232951.